The following is an entry in ClinVar:

ClinVar aggregate classification (germline): Uncertain significance (1 of 4 stars; one submission).

Conditions:
Hyperphosphatasia with impaired intellectual development syndrome 2. Also called: GLYCOSYLPHOSPHATIDYLINOSITOL BIOSYNTHESIS DEFECT 6; Hyperphosphatasia with intellectual disability syndrome 2. Identifiers: Orphanet 247262, MedGen C3553637, MONDO:0013882, OMIM 614749.

Allele frequency attached by ClinVar (database versions not stated): gnomAD 0.00003; TOPMed 0.00002; ESP Exome Variant Server 0.00008.
gnomAD v4.1: 7 of 1,612,376 alleles (0.00043%); highest among the groups gnomAD compares: African/African-American, 0.0067%; no homozygotes.

Submission:

Labcorp Genetics (formerly Invitae), Labcorp
Classification: Uncertain significance for Hyperphosphatasia with impaired intellectual development syndrome 2. Last evaluated: 2024-02-16. Review status: criteria provided, single submitter. Criteria: Invitae Variant Classification Sherloc (09022015). Collection method: clinical testing. Allele origin: germline.
Comment: This sequence change replaces proline, which is neutral and non-polar, with leucine, which is neutral and non-polar, at codon 729 of the PIGO protein (p.Pro729Leu). This variant is present in population databases (rs140561049, gnomAD 0.01%). This variant has not been reported in the literature in individuals affected with PIGO-related conditions. ClinVar contains an entry for this variant (Variation ID: 473222). An algorithm developed to predict the effect of missense changes on protein structure and function (PolyPhen-2) suggests that this variant is likely to be tolerated. In summary, the available evidence is currently insufficient to determine the role of this variant in disease. Therefore, it has been classified as a Variant of Uncertain Significance.

NM_032634.4(PIGO):c.2186C>T (p.Pro729Leu)

Gene: PIGO (phosphatidylinositol glycan anchor biosynthesis class O; minus strand). Cytogenetic location: 9p13.3.
Variant type: single nucleotide variant.
Coding change: c.2186C>T on transcript NM_032634.4 (MANE Select); coding-DNA position 2186, C replaced by T.
Protein change: p.Pro729Leu; replaces proline 729 with leucine.
Molecular consequence: missense variant. On other transcripts: intron variant (2).
Genome position (GRCh38, 1-based): chr9:35,091,701, G>A on the plus strand (C>T on the coding strand, the complement: PIGO is on the minus strand). VCF-style: chr9-35091701-G-A. GRCh37 (hg19) VCF-style: chr9-35091698-G-A.
Other names: c.1345-410C>T (NM_152850.4, NM_001201484.2); short protein forms P729L.
Identifiers: ClinVar variation 473222 (VCV000473222.10), dbSNP rs140561049, ClinGen allele CA192710447.
Genomic context (GRCh38, chr9:35,091,701, plus strand): 5'-CCTGCTACAGCCCGAGGCAGCACCATGGATGCCCCAGAGACCAGGACCCGGAGACGGGGG[G>A]GAGCCTCATCTGCCCCCGACGCCAATGCCCAGTAGGCAGCAGTACCCAATGCCATTAGGG-3'
Protein context (NP_116023.2, residues 719-739): WALASGADEA[Pro729Leu]PRLRVLVSGA